The following is an entry in ClinVar:

NM_001987.5(ETV6):c.1058G>T (p.Arg353Leu)

Genes: ETV6 (ETS variant transcription factor 6; plus strand), LOC126861452 (CDK7 strongly-dependent group 2 enhancer GRCh37_chr12:12037195-12038394; plus strand). Cytogenetic location: 12p13.2.
Variant type: single nucleotide variant.
Coding change: c.1058G>T on transcript NM_001987.5 (MANE Select); coding-DNA position 1058, G replaced by T.
Protein change: p.Arg353Leu; replaces arginine 353 with leucine.
Molecular consequence: missense variant. On other transcripts: intron variant (1).
Genome position (GRCh38, 1-based): chr12:11,884,493, G>T. VCF-style: chr12-11884493-G-T. GRCh37 (hg19) VCF-style: chr12-12037427-G-T.
Other names: c.1055G>T, p.Arg352Leu (NM_001413913.1); c.1031G>T, p.Arg344Leu (NM_001413914.1); c.794G>T, p.Arg265Leu (NM_001413915.1); c.1010-6448G>T (NM_001413917.1); short protein forms R352L, R265L, R353L, R344L.
Identifiers: ClinVar variation 5036174 (VCV005036174.1).

ClinVar aggregate classification (germline): Uncertain significance (1 of 4 stars; one submission).

Conditions:
Inborn genetic diseases. Identifiers: MedGen C0950123, MeSH D030342.

gnomAD v4.1: 1 of 1,614,118 alleles (0.000062%); highest among the groups gnomAD compares: Non-Finnish European, 0.000085%; no homozygotes.

Submission:

Ambry Genetics
Classification: Uncertain significance for Inborn genetic diseases. Last evaluated: 2026-07-06. Review status: criteria provided, single submitter. Criteria: Ambry Variant Classification Scheme 2023. Collection method: clinical testing. Allele origin: germline.
Comment: The p.R353L variant (also known as c.1058G>T), located in coding exon 6 of the ETV6 gene, results from a G to T substitution at nucleotide position 1058. The arginine at codon 353 is replaced by leucine, an amino acid with dissimilar properties. This amino acid position is conserved. In addition, the in silico prediction for this alteration is inconclusive. Based on the available evidence, the clinical significance of this variant remains unclear.